The following is an entry in ClinVar:

NM_138927.4(SON):c.6160+6T>C

Gene: SON (SON DNA and RNA binding protein; plus strand). Cytogenetic location: 21q22.11.
Variant type: single nucleotide variant.
Coding change: c.6160+6T>C on transcript NM_138927.4 (MANE Select); 6 bases into the intron after coding-DNA position 6160, T replaced by C.
Molecular consequence: intron variant.
Genome position (GRCh38, 1-based): chr21:33,555,397, T>C. VCF-style: chr21-33555397-T-C. GRCh37 (hg19) VCF-style: chr21-34927703-T-C.
Other names: c.245-1759T>C (NM_001291412.3); c.6160+6T>C (NM_032195.3, NM_001291411.2, NM_138927.2).
Identifiers: ClinVar variation 2186798 (VCV002186798.5), dbSNP rs758922625, ClinGen allele CA10009885.
Genomic context (GRCh38, chr21:33,555,397, plus strand): 5'-AAAAGATCCAGGTCTTCTGAACGAGGCAGATCACCCAAACGTCTGACAGATTTGGGTGAG[T>C]CATTTTAAAGTTTAATGGGATGGTAGTAGAAAATGTTTTAAACCTTAATTTTTTTCTGAC-3'

ClinVar aggregate classification (germline): Conflicting classifications of pathogenicity. Review status: criteria provided, conflicting classifications (1 of 4 stars). 2 submissions from 2 submitters: Uncertain significance (1); Likely benign (1). Last evaluated 2026-01-12.

Conditions:
SON-related disorder. Also called: SON-related condition.

Allele frequency attached by ClinVar (database versions not stated): gnomAD 0.00007; TOPMed 0.00007; ExAC 0.00015; gnomAD exomes 0.00017.
gnomAD v4.1: 242 of 1,507,206 alleles (0.016%); highest among the groups gnomAD compares: Non-Finnish European, 0.02%; no homozygotes.

Submissions (2):

Labcorp Genetics (formerly Invitae), Labcorp
Classification: Uncertain significance. Last evaluated: 2026-01-12. Review status: criteria provided, single submitter. Criteria: Invitae Variant Classification Sherloc (09022015). Collection method: clinical testing. Allele origin: germline.
Comment: This sequence change falls in intron 3 of the SON gene. It does not directly change the encoded amino acid sequence of the SON protein. It affects a nucleotide within the consensus splice site. This variant is present in population databases (rs758922625, gnomAD 0.02%). This variant has not been reported in the literature in individuals affected with SON-related conditions. ClinVar contains an entry for this variant (Variation ID: 2186798). Variants that disrupt the consensus splice site are a relatively common cause of aberrant splicing (PMID: 17576681, 9536098). Algorithms developed to predict the effect of sequence changes on RNA splicing suggest that this variant is not likely to affect RNA splicing. In summary, the available evidence is currently insufficient to determine the role of this variant in disease. Therefore, it has been classified as a Variant of Uncertain Significance.

PreventionGenetics, part of Exact Sciences
Classification: Likely benign for SON-related condition. Last evaluated: 2025-12-30. Review status: criteria provided, single submitter. Criteria: ACMG Guidelines, 2015. Collection method: clinical testing. Allele origin: germline.
Comment: This variant is classified as likely benign based on ACMG/AMP sequence variant interpretation guidelines (Richards et al. 2015 PMID: 25741868, with internal and published modifications).

Literature cited by the submitters: PubMed 17576681 (cited by Labcorp Genetics (formerly Invitae), Labcorp); PubMed 9536098 (cited by Labcorp Genetics (formerly Invitae), Labcorp).